The following is an entry in ClinVar:

NM_000406.3(GNRHR):c.533T>G (p.Phe178Cys)

Gene: GNRHR (gonadotropin releasing hormone receptor; minus strand). Cytogenetic location: 4q13.2.
Variant type: single nucleotide variant.
Coding change: c.533T>G on transcript NM_000406.3 (MANE Select); coding-DNA position 533, T replaced by G.
Protein change: p.Phe178Cys; replaces phenylalanine 178 with cysteine.
Molecular consequence: missense variant. On other transcripts: intron variant (1).
Genome position (GRCh38, 1-based): chr4:67,744,777, A>C on the plus strand (T>G on the coding strand, the complement: GNRHR is on the minus strand). VCF-style: chr4-67744777-A-C. GRCh37 (hg19) VCF-style: chr4-68610495-A-C.
Other names: c.523-118T>G (NM_001012763.2); short protein forms F178C.
Identifiers: ClinVar variation 3688354 (VCV003688354.2).

ClinVar aggregate classification (germline): Uncertain significance (1 of 4 stars; one submission).

Submission:

Labcorp Genetics (formerly Invitae), Labcorp
Classification: Uncertain significance. Last evaluated: 2024-09-02. Review status: criteria provided, single submitter. Criteria: Invitae Variant Classification Sherloc (09022015). Collection method: clinical testing. Allele origin: germline.
Comment: This sequence change replaces phenylalanine, which is neutral and non-polar, with cysteine, which is neutral and slightly polar, at codon 178 of the GNRHR protein (p.Phe178Cys). This variant is not present in population databases (gnomAD no frequency). This variant has not been reported in the literature in individuals affected with GNRHR-related conditions. Invitae Evidence Modeling of protein sequence and biophysical properties (such as structural, functional, and spatial information, amino acid conservation, physicochemical variation, residue mobility, and thermodynamic stability) indicates that this missense variant is expected to disrupt GNRHR protein function with a positive predictive value of 80%. In summary, the available evidence is currently insufficient to determine the role of this variant in disease. Therefore, it has been classified as a Variant of Uncertain Significance.